The following is an entry in ClinVar:

ClinVar aggregate classification (germline): Uncertain significance (1 of 4 stars; one submission).

Allele frequency attached by ClinVar (database versions not stated): ExAC 0.00001; TOPMed 0.00001; gnomAD 0.00002; gnomAD exomes 0.00002.
gnomAD v4.1: 32 of 1,614,216 alleles (0.002%); highest among the groups gnomAD compares: East Asian, 0.0045%; no homozygotes.

Submission:

Labcorp Genetics (formerly Invitae), Labcorp
Classification: Uncertain significance. Last evaluated: 2025-06-02. Review status: criteria provided, single submitter. Criteria: Invitae Variant Classification Sherloc (09022015). Collection method: clinical testing. Allele origin: germline.
Comment: This sequence change replaces isoleucine, which is neutral and non-polar, with valine, which is neutral and non-polar, at codon 16 of the ARCN1 protein (p.Ile16Val). This variant is present in population databases (rs782231699, gnomAD 0.0009%). This variant has not been reported in the literature in individuals affected with ARCN1-related conditions. ClinVar contains an entry for this variant (Variation ID: 1987964). An algorithm developed to predict the effect of missense changes on protein structure and function (PolyPhen-2) suggests that this variant is likely to be tolerated. In summary, the available evidence is currently insufficient to determine the role of this variant in disease. Therefore, it has been classified as a Variant of Uncertain Significance.

NM_001655.5(ARCN1):c.46A>G (p.Ile16Val)

Gene: ARCN1 (archain 1 coat protein complex I subunit delta; plus strand). Cytogenetic location: 11q23.3.
Variant type: single nucleotide variant.
Coding change: c.46A>G on transcript NM_001655.5 (MANE Select); coding-DNA position 46, A replaced by G.
Protein change: p.Ile16Val; replaces isoleucine 16 with valine.
Molecular consequence: missense variant. On other transcripts: intron variant (1).
Genome position (GRCh38, 1-based): chr11:118,581,288, A>G. VCF-style: chr11-118581288-A-G. GRCh37 (hg19) VCF-style: chr11-118452003-A-G.
Other names: c.4-1891A>G (NM_001142281.2); short protein forms I16V.
Identifiers: ClinVar variation 1987964 (VCV001987964.4), dbSNP rs782231699, ClinGen allele CA6306000.